The following is an entry in ClinVar:

NM_206933.4(USH2A):c.14632T>G (p.Cys4878Gly)

Gene: USH2A (usherin; minus strand). Cytogenetic location: 1q41.
Variant type: single nucleotide variant.
Coding change: c.14632T>G on transcript NM_206933.4 (MANE Select); coding-DNA position 14632, T replaced by G.
Protein change: p.Cys4878Gly; replaces cysteine 4878 with glycine.
Molecular consequence: missense variant.
Genome position (GRCh38, 1-based): chr1:215,647,681, A>C on the plus strand (T>G on the coding strand, the complement: USH2A is on the minus strand). VCF-style: chr1-215647681-A-C. GRCh37 (hg19) VCF-style: chr1-215821023-A-C.
Other names: short protein forms C4878G.
Identifiers: ClinVar variation 1303297 (VCV001303297.12), dbSNP rs779400517, ClinGen allele CA1392961.

ClinVar aggregate classification (germline): Uncertain significance. Review status: criteria provided, multiple submitters, no conflicts (2 of 4 stars). 7 submissions from 6 submitters: Uncertain significance (7). Last evaluated 2025-07-31.

Conditions:
USH2A-related disorder. Also called: USH2A-related condition; USH2A-related disorders. Identifiers: MedGen CN239332.
Retinitis pigmentosa 39 (RP39). Identifiers: Orphanet 791, MedGen C3151138, MONDO:0013436, OMIM 613809.
Usher syndrome type 2A. Also called: RETINAL DISEASE IN USHER SYNDROME TYPE IIA, MODIFIER OF; USHER SYNDROME, TYPE IIA. Identifiers: Orphanet 231178, Orphanet 886, MedGen C1848634, MONDO:0010169, OMIM 276901.

Allele frequency attached by ClinVar (database versions not stated): gnomAD exomes below 0.00001.
gnomAD v4.1: 19 of 1,614,050 alleles (0.0012%); highest among the groups gnomAD compares: African/African-American, 0.024%; no homozygotes.

Submissions (7):

Labcorp Genetics (formerly Invitae), Labcorp
Classification: Uncertain significance. Last evaluated: 2025-07-31. Review status: criteria provided, single submitter. Criteria: Invitae Variant Classification Sherloc (09022015). Collection method: clinical testing. Allele origin: germline.
Comment: This sequence change replaces cysteine, which is neutral and slightly polar, with glycine, which is neutral and non-polar, at codon 4878 of the USH2A protein (p.Cys4878Gly). This variant is present in population databases (rs779400517, gnomAD 0.03%). This variant has not been reported in the literature in individuals affected with USH2A-related conditions. ClinVar contains an entry for this variant (Variation ID: 1303297). Invitae Evidence Modeling of protein sequence and biophysical properties (such as structural, functional, and spatial information, amino acid conservation, physicochemical variation, residue mobility, and thermodynamic stability) indicates that this missense variant is expected to disrupt USH2A protein function with a positive predictive value of 80%. In summary, the available evidence is currently insufficient to determine the role of this variant in disease. Therefore, it has been classified as a Variant of Uncertain Significance.

PreventionGenetics, part of Exact Sciences
Classification: Uncertain significance for USH2A-related condition. Last evaluated: 2025-07-29. Review status: criteria provided, single submitter. Criteria: ACMG Guidelines, 2015. Collection method: clinical testing. Allele origin: germline.
Comment: The USH2A c.14632T>G variant is predicted to result in the amino acid substitution p.Cys4878Gly. To our knowledge, this variant has not been reported in the literature. This variant is reported in 0.032% of alleles in individuals of African descent in gnomAD. At this time, the clinical significance of this variant is uncertain due to the absence of conclusive functional and genetic evidence.

Genome-Nilou Lab
Classification: Uncertain significance for Retinitis pigmentosa 39. Last evaluated: 2023-11-04. Review status: criteria provided, single submitter. Criteria: ACMG Guidelines, 2015. Collection method: clinical testing. Allele origin: germline. Affected: no.

Genome-Nilou Lab
Classification: Uncertain significance for Usher syndrome type 2A. Last evaluated: 2023-11-04. Review status: criteria provided, single submitter. Criteria: ACMG Guidelines, 2015. Collection method: clinical testing. Allele origin: germline. Affected: no.

Fulgent Genetics
Classification: Uncertain significance for Usher syndrome type 2A; Retinitis pigmentosa 39. Last evaluated: 2021-09-08. Review status: criteria provided, single submitter. Criteria: ACMG Guidelines, 2015. Collection method: clinical testing. Allele origin: unknown.

Blueprint Genetics
Classification: Uncertain significance. Last evaluated: 2021-09-01. Review status: criteria provided, single submitter. Criteria: ACMG Guidelines, 2015. Collection method: clinical testing. Allele origin: germline.

GeneDx
Classification: Uncertain significance. Last evaluated: 2019-07-05. Review status: criteria provided, single submitter. Criteria: GeneDx Variant Classification Process June 2021. Collection method: clinical testing. Allele origin: germline. Affected: yes.
Comment: In silico analysis, which includes protein predictors and evolutionary conservation, supports a deleterious effect; Has not been previously published as pathogenic or benign to our knowledge